The following is an entry in ClinVar:

NM_024867.4(SPEF2):c.4756G>A (p.Gly1586Arg)

Gene: SPEF2 (sperm flagellar and cilia associated 2; plus strand). Cytogenetic location: 5p13.2.
Variant type: single nucleotide variant.
Coding change: c.4756G>A on transcript NM_024867.4 (MANE Select); coding-DNA position 4756, G replaced by A.
Protein change: p.Gly1586Arg; replaces glycine 1586 with arginine.
Molecular consequence: missense variant.
Genome position (GRCh38, 1-based): chr5:35,795,721, G>A. VCF-style: chr5-35795721-G-A. GRCh37 (hg19) VCF-style: chr5-35795823-G-A.
Other names: c.4756G>A (NM_024867.3); short protein forms G1586R.
Identifiers: ClinVar variation 4820887 (VCV004820887.5).

ClinVar aggregate classification (germline): Likely benign. Review status: criteria provided, multiple submitters, no conflicts (2 of 4 stars). 2 submissions from 2 submitters: Likely benign (2). Last evaluated 2026-01-01.

Conditions:
SPEF2-related disorder. Also called: SPEF2-related condition.

gnomAD v4.1: 3,401 of 1,613,854 alleles (0.21%); highest among the groups gnomAD compares: Non-Finnish European, 0.27%; 6 homozygotes.

Submissions (2):

CeGaT Center for Human Genetics Tuebingen
Classification: Likely benign. Last evaluated: 2026-01-01. Review status: criteria provided, single submitter. Criteria: CeGaT Center For Human Genetics Tuebingen Variant Classification Criteria Version 2. Collection method: clinical testing. Allele origin: germline. Affected: yes. Observed: 1 variant allele.
Comment: SPEF2: BP4

PreventionGenetics, part of Exact Sciences
Classification: Likely benign for SPEF2-related condition. Last evaluated: 2025-02-13. Review status: criteria provided, single submitter. Criteria: ACMG Guidelines, 2015. Collection method: clinical testing. Allele origin: germline.
Comment: This variant is classified as likely benign based on ACMG/AMP sequence variant interpretation guidelines (Richards et al. 2015 PMID: 25741868, with internal and published modifications).